The following is an entry in ClinVar:

ClinVar aggregate classification (germline): Uncertain significance (1 of 4 stars; one submission).

Submission:

ISCA site 4
Classification: Uncertain significance. Last evaluated: 2011-08-12. Review status: criteria provided, single submitter. Criteria: Kaminsky et al. (Genet Med. 2011). Collection method: clinical testing. Allele origin: unknown. Affected: yes. Observed: 1 variant allele.
Comment: Copy number variation identified through the course of routine clinical cytogenomic testing in postnatal populations. Clinical assertions have been curated as described in Kaminsky et al. 2011.

GRCh38/hg38 2q37.2-37.3(chr2:236043791-237379158)x3

Genes: ACKR3 (atypical chemokine receptor 3; plus strand), AGAP1 (ArfGAP with GTPase domain, ankyrin repeat and PH domain 1; plus strand), ASB18 (ankyrin repeat and SOCS box containing 18; minus strand), COL6A3 (collagen type VI alpha 3 chain; minus strand), COPS8 (COP9 signalosome subunit 8; plus strand) and 30 more. Cytogenetic location: 2q37.2-37.3.
Variant type: copy number gain.
Change: copy number 3 (three copies instead of two) of chr2:236,043,791-237,379,158 (1.34 Mb, GRCh38 coordinates, 1-based), cytogenetic band 2q37.2-37.3.
Identifiers: ClinVar variation 57426 (VCV000057426.1).